The following is an entry in ClinVar:

ClinVar aggregate classification (germline): Uncertain significance (1 of 4 stars; one submission).

Allele frequency attached by ClinVar (database versions not stated): gnomAD exomes below 0.00001; TOPMed below 0.00001.

Submission:

Labcorp Genetics (formerly Invitae), Labcorp
Classification: Uncertain significance. Last evaluated: 2024-10-07. Review status: criteria provided, single submitter. Criteria: Invitae Variant Classification Sherloc (09022015). Collection method: clinical testing. Allele origin: germline.
Comment: This sequence change replaces cysteine, which is neutral and slightly polar, with tyrosine, which is neutral and polar, at codon 84 of the IFITM5 protein (p.Cys84Tyr). This variant is not present in population databases (gnomAD no frequency). This variant has not been reported in the literature in individuals affected with IFITM5-related conditions. ClinVar contains an entry for this variant (Variation ID: 1376055). An algorithm developed to predict the effect of missense changes on protein structure and function (PolyPhen-2) suggests that this variant is likely to be tolerated. In summary, the available evidence is currently insufficient to determine the role of this variant in disease. Therefore, it has been classified as a Variant of Uncertain Significance.

NM_001025295.3(IFITM5):c.251G>A (p.Cys84Tyr)

Gene: IFITM5 (interferon induced transmembrane protein 5; minus strand). Cytogenetic location: 11p15.5.
Variant type: single nucleotide variant.
Coding change: c.251G>A on transcript NM_001025295.3 (MANE Select); coding-DNA position 251, G replaced by A.
Protein change: p.Cys84Tyr; replaces cysteine 84 with tyrosine.
Molecular consequence: missense variant.
Genome position (GRCh38, 1-based): chr11:298,649, C>T on the plus strand (G>A on the coding strand, the complement: IFITM5 is on the minus strand). VCF-style: chr11-298649-C-T. GRCh37 (hg19) VCF-style: chr11-298649-C-T.
Other names: short protein forms C84Y.
Identifiers: ClinVar variation 1376055 (VCV001376055.8), dbSNP rs1845892873, ClinGen allele CA378890211.